The following is an entry in ClinVar:

ClinVar aggregate classification (germline): Uncertain significance (1 of 4 stars; one submission).

Conditions:
Tay-Sachs disease (TSD). Also called: HEXA DEFICIENCY; GM2 gangliosidosis, type 1; Hexosaminidase alpha-subunit deficiency (variant B); Sphingolipidosis, Tay-Sachs; Hexosaminidase A Deficiency; HEXA Disorders. Identifiers: Orphanet 845, MedGen C0039373, MONDO:0010100, OMIM 272800.

Submission:

Labcorp Genetics (formerly Invitae), Labcorp
Classification: Uncertain significance for Tay-Sachs disease. Last evaluated: 2022-07-19. Review status: criteria provided, single submitter. Criteria: Invitae Variant Classification Sherloc (09022015). Collection method: clinical testing. Allele origin: germline.
Comment: ClinVar contains an entry for this variant (Variation ID: 1465488). This variant has not been reported in the literature in individuals affected with HEXA-related conditions. This variant is not present in population databases (gnomAD no frequency). This sequence change replaces tyrosine, which is neutral and polar, with cysteine, which is neutral and slightly polar, at codon 37 of the HEXA protein (p.Tyr37Cys). Algorithms developed to predict the effect of missense changes on protein structure and function (SIFT, PolyPhen-2, Align-GVGD) all suggest that this variant is likely to be tolerated. This variant disrupts the p.Tyr37Asn amino acid residue in HEXA. Other variant(s) that disrupt this residue have been determined to be pathogenic (PMID: 18358410, 33083013). This suggests that this residue is clinically significant, and that variants that disrupt this residue are likely to be disease-causing. In summary, the available evidence is currently insufficient to determine the role of this variant in disease. Therefore, it has been classified as a Variant of Uncertain Significance.

Literature cited by the submitters: PubMed 18358410; PubMed 33083013.

NM_000520.6(HEXA):c.110A>G (p.Tyr37Cys)

Gene: HEXA (hexosaminidase subunit alpha; minus strand). Cytogenetic location: 15q23.
Variant type: single nucleotide variant.
Coding change: c.110A>G on transcript NM_000520.6 (MANE Select); coding-DNA position 110, A replaced by G.
Protein change: p.Tyr37Cys; replaces tyrosine 37 with cysteine.
Molecular consequence: missense variant. On other transcripts: non-coding transcript variant (1).
Genome position (GRCh38, 1-based): chr15:72,375,863, T>C on the plus strand (A>G on the coding strand, the complement: HEXA is on the minus strand). VCF-style: chr15-72375863-T-C. GRCh37 (hg19) VCF-style: chr15-72668204-T-C.
Other names: c.110A>G, p.Tyr37Cys (NM_001318825.2); short protein forms Y37C.
Identifiers: ClinVar variation 1465488 (VCV001465488.8), dbSNP rs2140344677, ClinGen allele CA393070530.
Genomic context (GRCh38, chr15:72,375,863, plus strand): 5'-CCGGGCTGCGCGGCCGAGCTGACATCGTACTGGAATTGAAAGTTGTTCGGGTAAAGGACG[T>C]AGCGCTGGTCGGAGGTTTGGAAGTTCTGAGGCCAGGGCCAGAGGGCCGTCGCCCGTCCTG-3'
Protein context (NP_000511.2, residues 27-47): PQNFQTSDQR[Tyr37Cys]VLYPNNFQFQ